The following is an entry in ClinVar:

ClinVar aggregate classification (germline): Pathogenic (1 of 4 stars; one submission).

Conditions:
Ornithine carbamoyltransferase deficiency (OTCD). Also called: ORNITHINE TRANSCARBAMYLASE DEFICIENCY; OTC DEFICIENCY; ORNITHINE TRANSCARBAMYLASE DEFICIENCY, HYPERAMMONEMIA DUE TO; Ornithine Carbamoyltransferase Deficiency Disease. Identifiers: Orphanet 664, MedGen C0268542, MONDO:0010703, OMIM 311250.

Submission:

Labcorp Genetics (formerly Invitae), Labcorp
Classification: Pathogenic for Ornithine carbamoyltransferase deficiency. Last evaluated: 2024-02-08. Review status: criteria provided, single submitter. Criteria: Invitae Variant Classification Sherloc (09022015). Collection method: clinical testing. Allele origin: germline.
Comment: This sequence change replaces leucine, which is neutral and non-polar, with phenylalanine, which is neutral and non-polar, at codon 179 of the OTC protein (p.Leu179Phe). This variant is not present in population databases (gnomAD no frequency). This missense change has been observed in individuals with ornithine transcarbamylase deficiency (PMID: 17334707, 22727265, 30285816; Invitae). ClinVar contains an entry for this variant (Variation ID: 840206). Advanced modeling of protein sequence and biophysical properties (such as structural, functional, and spatial information, amino acid conservation, physicochemical variation, residue mobility, and thermodynamic stability) performed at Invitae indicates that this missense variant is expected to disrupt OTC protein function with a positive predictive value of 95%. This variant disrupts the p.Leu179 amino acid residue in OTC. Other variant(s) that disrupt this residue have been observed in individuals with OTC-related conditions (PMID: 16786505), which suggests that this may be a clinically significant amino acid residue. For these reasons, this variant has been classified as Pathogenic.

Literature cited by the submitters: PubMed 17334707; PubMed 22727265; PubMed 30285816; PubMed 16786505.

NM_000531.6(OTC):c.535C>T (p.Leu179Phe)

Gene: OTC (ornithine transcarbamylase; plus strand). Cytogenetic location: Xp11.4.
Variant type: single nucleotide variant.
Coding change: c.535C>T on transcript NM_000531.6 (MANE Select); coding-DNA position 535, C replaced by T.
Protein change: p.Leu179Phe; replaces leucine 179 with phenylalanine.
Molecular consequence: missense variant.
Genome position (GRCh38, 1-based): chrX:38,401,423, C>T. VCF-style: chrX-38401423-C-T. GRCh37 (hg19) VCF-style: chrX-38260676-C-T.
Other names: short protein forms L179F.
Identifiers: ClinVar variation 840206 (VCV000840206.10), dbSNP rs2068487136, ClinGen allele CA412724156.
Genomic context (GRCh38, chrX:38,401,423, plus strand): 5'-ATTATCAATGGGCTGTCAGATTTGTACCATCCTATCCAGATCCTGGCTGATTACCTCACG[C>T]TCCAGGTTGGTTTATTTATTTGTCTTACAAAAGAGCAAAATCAAATAATTCCTGACTTGC-3'
Protein context (NP_000522.3, residues 169-189): PIQILADYLT[Leu179Phe]QEHYSSLKGL